The following is an entry in ClinVar:

NM_001105206.3(LAMA4):c.3415-7C>G

Gene: LAMA4 (laminin subunit alpha 4; minus strand). Cytogenetic location: 6q21.
Variant type: single nucleotide variant.
Coding change: c.3415-7C>G on transcript NM_001105206.3 (MANE Select); 7 bases into the intron before coding-DNA position 3415, C replaced by G.
Molecular consequence: intron variant.
Genome position (GRCh38, 1-based): chr6:112,134,616, G>C on the plus strand (C>G on the coding strand, the complement: LAMA4 is on the minus strand). VCF-style: chr6-112134616-G-C. GRCh37 (hg19) VCF-style: chr6-112455818-G-C.
Other names: c.3394-7C>G (NM_002290.5, NM_001105207.3, LRG_433t2).
Identifiers: ClinVar variation 518032 (VCV000518032.1), dbSNP rs1554330943, ClinGen allele CA658796804.

ClinVar aggregate classification (germline): Likely benign (1 of 4 stars; one submission).

Submission:

GeneDx
Classification: Likely benign. Last evaluated: 2017-06-20. Review status: criteria provided, single submitter. Criteria: GeneDx Variant Classification (06012015). Collection method: clinical testing. Allele origin: germline. Affected: yes.
Comment: This variant is considered likely benign or benign based on one or more of the following criteria: it is a conservative change, it occurs at a poorly conserved position in the protein, it is predicted to be benign by multiple in silico algorithms, and/or has population frequency not consistent with disease.